The following is an entry in ClinVar:

ClinVar aggregate classification (germline): Benign. Review status: criteria provided, multiple submitters, no conflicts (2 of 4 stars). 5 submissions from 5 submitters: Benign (5). Last evaluated 2026-02-02.

Conditions:
Retinal cone dystrophy 4 (RCD4). Identifiers: Orphanet 1872, MedGen C1864849, MONDO:0012507, OMIM 610478.

Allele frequency attached by ClinVar (database versions not stated): gnomAD exomes 0.10582 and 0.10695; ExAC 0.11434; 1000 Genomes Project 0.15236; 1000 Genomes Project 30x 0.15428; gnomAD 0.15787 and 0.16201; TOPMed 0.15934; ESP Exome Variant Server 0.15955.
gnomAD v4.1: 178,833 of 1,612,812 alleles (11%); highest among the groups gnomAD compares: African/African-American, 31%; 12,046 homozygotes.

Submissions (5):

Labcorp Genetics (formerly Invitae), Labcorp
Classification: Benign. Last evaluated: 2026-02-02. Review status: criteria provided, single submitter. Criteria: Invitae Variant Classification Sherloc (09022015). Collection method: clinical testing. Allele origin: germline.

Blueprint Genetics
Classification: Benign. Last evaluated: 2024-11-27. Review status: criteria provided, single submitter. Criteria: ACMG Guidelines, 2015. Collection method: clinical testing. Allele origin: germline.

Illumina Laboratory Services, Illumina
Classification: Benign for Retinal cone dystrophy 4. Last evaluated: 2018-01-13. Review status: criteria provided, single submitter. Criteria: ICSL Variant Classification Criteria 13 December 2019. Collection method: clinical testing. Allele origin: germline.
Comment: This variant was observed in the ICSL laboratory as part of a predisposition screen in an ostensibly healthy population. It had not been previously curated by ICSL or reported in the Human Gene Mutation Database (HGMD: prior to June 1st, 2018), and was therefore a candidate for classification through an automated scoring system. Utilizing variant allele frequency, disease prevalence and penetrance estimates, and inheritance mode, an automated score was calculated to assess if this variant is too frequent to cause the disease. Based on the score and internal cut-off values, a variant classified as benign is not then subjected to further curation. The score for this variant resulted in a classification of benign for this disease.

Breakthrough Genomics
Classification: Benign. Review status: criteria provided, single submitter. Criteria: ACMG Guidelines, 2015. Collection method: not provided. Allele origin: germline. Inheritance: Autosomal recessive inheritance. Affected: yes.

PreventionGenetics, part of Exact Sciences
Classification: Benign. Review status: criteria provided, single submitter. Criteria: ACMG Guidelines, 2015. Collection method: clinical testing. Allele origin: germline.

NM_172364.5(CACNA2D4):c.1599A>G (p.Ser533=)

Gene: CACNA2D4 (calcium voltage-gated channel auxiliary subunit alpha2delta 4; minus strand). Cytogenetic location: 12p13.33.
Variant type: single nucleotide variant.
Coding change: c.1599A>G on transcript NM_172364.5 (MANE Select); coding-DNA position 1599, A replaced by G.
Protein change: p.Ser533=; no amino-acid change (serine 533 retained).
Molecular consequence: synonymous variant.
Genome position (GRCh38, 1-based): chr12:1,879,001, T>C on the plus strand (A>G on the coding strand, the complement: CACNA2D4 is on the minus strand). VCF-style: chr12-1879001-T-C. GRCh37 (hg19) VCF-style: chr12-1988167-T-C.
Identifiers: ClinVar variation 262810 (VCV000262810.16), dbSNP rs7966806, ClinGen allele CA6387067.